The following is an entry in ClinVar:

ClinVar aggregate classification (germline): Uncertain significance (1 of 4 stars; one submission).

Conditions:
Hereditary cancer-predisposing syndrome. Also called: Neoplastic Syndromes, Hereditary; Tumor predisposition; Hereditary neoplastic syndrome; Hereditary Cancer Syndrome. Identifiers: Orphanet 140162, MedGen C0027672, MeSH D009386, MONDO:0015356.

Submission:

Ambry Genetics
Classification: Uncertain significance for Hereditary cancer-predisposing syndrome. Last evaluated: 2024-01-31. Review status: criteria provided, single submitter. Criteria: Ambry Variant Classification Scheme 2023. Collection method: clinical testing. Allele origin: germline.
Comment: The p.I563R variant (also known as c.1688T>G), located in coding exon 11 of the KIT gene, results from a T to G substitution at nucleotide position 1688. The isoleucine at codon 563 is replaced by arginine, an amino acid with similar properties. This amino acid position is conserved. In addition, the in silico prediction for this alteration is inconclusive. Based on the available evidence, the clinical significance of this alteration remains unclear.

NM_000222.3(KIT):c.1688T>G (p.Ile563Arg)

Gene: KIT (KIT proto-oncogene, receptor tyrosine kinase; plus strand). Cytogenetic location: 4q12.
Variant type: single nucleotide variant.
Coding change: c.1688T>G on transcript NM_000222.3 (MANE Select); coding-DNA position 1688, T replaced by G.
Protein change: p.Ile563Arg; replaces isoleucine 563 with arginine.
Molecular consequence: missense variant.
Genome position (GRCh38, 1-based): chr4:54,727,456, T>G. VCF-style: chr4-54727456-T-G. GRCh37 (hg19) VCF-style: chr4-55593622-T-G.
Other names: c.1676T>G, p.Ile559Arg (NM_001093772.2, NM_001385286.1); c.1691T>G, p.Ile564Arg (NM_001385284.1, NM_001385290.1); c.1688T>G, p.Ile563Arg (NM_001385285.1); c.1679T>G, p.Ile560Arg (NM_001385288.1, NM_001385292.1); short protein forms I559R, I560R, I563R, I564R.
Identifiers: ClinVar variation 3230656 (VCV003230656.1), dbSNP rs780708976, ClinGen allele CA356907495.